The following is an entry in ClinVar:

ClinVar aggregate classification (germline): Pathogenic (1 of 4 stars; one submission).

Conditions:
Spastic paraplegia. Identifiers: MedGen C0037772, HP:0001258.

Allele frequency attached by ClinVar (database versions not stated): gnomAD exomes below 0.00001; ExAC 0.00001; ESP Exome Variant Server 0.00008.

Submission:

Labcorp Genetics (formerly Invitae), Labcorp
Classification: Pathogenic for Spastic paraplegia. Last evaluated: 2023-11-17. Review status: criteria provided, single submitter. Criteria: Invitae Variant Classification Sherloc (09022015). Collection method: clinical testing. Allele origin: germline.
Comment: This sequence change creates a premature translational stop signal (p.Trp77*) in the ZFYVE26 gene. It is expected to result in an absent or disrupted protein product. Loss-of-function variants in ZFYVE26 are known to be pathogenic (PMID: 18394578, 19805727). This variant is present in population databases (rs140354725, gnomAD 0.0009%). This premature translational stop signal has been observed in individual(s) with autosomal recessive hereditary spastic paraplegia (Invitae). ClinVar contains an entry for this variant (Variation ID: 656900). For these reasons, this variant has been classified as Pathogenic.

Literature cited by the submitters: PubMed 18394578; PubMed 19805727.

NM_015346.4(ZFYVE26):c.231G>A (p.Trp77Ter)

Gene: ZFYVE26 (zinc finger FYVE-type containing 26; minus strand). Cytogenetic location: 14q24.1.
Variant type: single nucleotide variant.
Coding change: c.231G>A on transcript NM_015346.4 (MANE Select); coding-DNA position 231, G replaced by A.
Protein change: p.Trp77Ter; replaces tryptophan 77 with a stop codon.
Molecular consequence: nonsense.
Genome position (GRCh38, 1-based): chr14:67,814,028, C>T on the plus strand (G>A on the coding strand, the complement: ZFYVE26 is on the minus strand). VCF-style: chr14-67814028-C-T. GRCh37 (hg19) VCF-style: chr14-68280745-C-T.
Other names: short protein forms W77*.
Identifiers: ClinVar variation 656900 (VCV000656900.5), dbSNP rs140354725, ClinGen allele CA7240856.